The following is an entry in ClinVar:

ClinVar aggregate classification (germline): Likely benign (1 of 4 stars; one submission).

Allele frequency attached by ClinVar (database versions not stated): gnomAD 0.00874 and 0.00947; 1000 Genomes Project 0.00938; TOPMed 0.00977; 1000 Genomes Project 30x 0.01015.
gnomAD v4.1: 1,316 of 152,096 alleles (0.87%); highest among the groups gnomAD compares: African/African-American, 3%; 14 homozygotes.

Submission:

GeneDx
Classification: Likely benign. Last evaluated: 2018-06-19. Review status: criteria provided, single submitter. Criteria: GeneDx Variant Classification (06012015). Collection method: clinical testing. Allele origin: germline. Affected: yes.
Comment: This variant is considered likely benign or benign based on one or more of the following criteria: it is a conservative change, it occurs at a poorly conserved position in the protein, it is predicted to be benign by multiple in silico algorithms, and/or has population frequency not consistent with disease.

NM_153026.3(PRICKLE1):c.1640-256C>G

Gene: PRICKLE1 (prickle planar cell polarity protein 1; minus strand). Cytogenetic location: 12q12.
Variant type: single nucleotide variant.
Coding change: c.1640-256C>G on transcript NM_153026.3 (MANE Select); 256 bases into the intron before coding-DNA position 1640, C replaced by G.
Molecular consequence: intron variant.
Genome position (GRCh38, 1-based): chr12:42,460,921, G>C on the plus strand (C>G on the coding strand, the complement: PRICKLE1 is on the minus strand). VCF-style: chr12-42460921-G-C. GRCh37 (hg19) VCF-style: chr12-42854723-G-C.
Other names: c.1640-256C>G (NM_001144883.2, NM_001144882.2, NM_001144881.2).
Identifiers: ClinVar variation 671760 (VCV000671760.1), dbSNP rs114719652, ClinGen allele CA235489011.
Genomic context (GRCh38, chr12:42,460,921, plus strand): 5'-GGCACAGCCTTTTTTGTTTTGTTTTTTTGTTTTGTTTTGAGACAGAGTTTTGCTCTAGTT[G>C]CCCGGGCTGGAGTGCAATGGCGCTATCTCGGCACACCACAATCTCCACCTCCCAGGTTCA-3'